The following is an entry in ClinVar:

NM_170707.4(LMNA):c.1223A>C (p.Gln408Pro)

Gene: LMNA (lamin A/C; plus strand). Cytogenetic location: 1q22.
Variant type: single nucleotide variant.
Coding change: c.1223A>C on transcript NM_170707.4 (MANE Select); coding-DNA position 1223, A replaced by C.
Protein change: p.Gln408Pro; replaces glutamine 408 with proline.
Molecular consequence: missense variant.
Genome position (GRCh38, 1-based): chr1:156,136,279, A>C. VCF-style: chr1-156136279-A-C. GRCh37 (hg19) VCF-style: chr1-156106070-A-C.
Other names: c.887A>C, p.Gln296Pro (NM_001257374.3); c.980A>C, p.Gln327Pro (NM_001282624.2); c.1223A>C, p.Gln408Pro (NM_001282625.2, NM_001282626.2, NM_005572.4 and 1 more transcripts); short protein forms Q408P, Q327P, Q296P.
Identifiers: ClinVar variation 48036 (VCV000048036.7), dbSNP rs397517891, ClinGen allele CA016877.

ClinVar aggregate classification (germline): Uncertain significance. Review status: criteria provided, multiple submitters, no conflicts (2 of 4 stars). 3 submissions from 3 submitters: Uncertain significance (2). 1 of the submissions does not count toward it. Last evaluated 2023-08-17.

Conditions:
Cardiomyopathy (CMYO). Also called: Cardiomyopathies. Identifiers: Orphanet 167848, MedGen C0878544, MONDO:0004994, HP:0001638. Inheritance: Various modes of inheritance.

Submissions (3):

GeneDx
Classification: Uncertain significance. Last evaluated: 2023-08-17. Review status: criteria provided, single submitter. Criteria: GeneDx Variant Classification Process June 2021. Collection method: clinical testing. Allele origin: germline. Affected: yes.
Comment: Not observed at significant frequency in large population cohorts (gnomAD); In silico analysis supports that this missense variant does not alter protein structure/function; In silico analysis suggests this variant may impact gene splicing. In the absence of RNA/functional studies, the actual effect of this sequence change is unknown.; Has not been previously reported as pathogenic or benign in association with LMNA-related disorders to our knowledge; This variant is associated with the following publications: (PMID: 10939567, 28679633)

CHEO Genetics Diagnostic Laboratory, Children's Hospital of Eastern Ontario
Classification: Uncertain significance for Cardiomyopathy. Last evaluated: 2019-09-09. Review status: criteria provided, single submitter. Criteria: ACMG Guidelines, 2015. Collection method: clinical testing. Allele origin: germline.

Laboratory for Molecular Medicine, Mass General Brigham Personalized Medicine
Classification: Uncertain significance. Last evaluated: 2009-11-12. Review status: no assertion criteria provided. Collection method: clinical testing. Allele origin: germline. Observed: 1 variant allele. Not counted in ClinVar's aggregate classification.